The following is an entry in ClinVar:

NM_005144.5(HR):c.2820del (p.Ala941fs)

Gene: HR (HR lysine demethylase and nuclear receptor corepressor; minus strand). Cytogenetic location: 8p21.3.
Variant type: Deletion.
Coding change: c.2820del on transcript NM_005144.5 (MANE Select); coding-DNA position 2820, one base deleted (A; older notation c.2820delA).
Protein change: p.Ala941fs; shifts the reading frame from alanine 941.
Molecular consequence: frameshift variant.
Genome position (GRCh38, 1-based): chr8:22,120,130, T deleted on the plus strand (A on the coding strand, the reverse complement: HR is on the minus strand). VCF-style (leftmost placement, unchanged base first): chr8-22120129-CT-C. GRCh37 (hg19) VCF-style: chr8-21977642-CT-C.
Other names: c.2820del, p.Ala941fs (NM_018411.4); short protein forms A941fs.
Identifiers: ClinVar variation 4855473 (VCV004855473.1).

ClinVar aggregate classification (germline): Pathogenic (1 of 4 stars; one submission).

Conditions:
Alopecia universalis congenita (ALUNC). Also called: ATRICHIA, GENERALIZED. Identifiers: Orphanet 701, MedGen C1859877, MONDO:0008757, OMIM 203655.

Submission:

3billion
Classification: Pathogenic for Alopecia universalis congenita. Last evaluated: 2025-05-29. Review status: criteria provided, single submitter. Criteria: ACMG Guidelines, 2015. Collection method: clinical testing. Allele origin: germline. Affected: yes.
Comment: The variant is not observed in the gnomAD v4.1.0 dataset. Predicted Consequence/Location: Frameshift: predicted to result in a loss or disruption of normal protein function through nonsense-mediated decay (NMD) or protein truncation. Multiple pathogenic variants are reported downstream of the variant. Therefore, this variant is classified as Pathogenic according to the recommendation of ACMG/AMP guideline.